The following is an entry in ClinVar:

NM_030962.4(SBF2):c.3656C>T (p.Pro1219Leu)

Gene: SBF2 (SET binding factor 2; minus strand). Cytogenetic location: 11p15.4.
Variant type: single nucleotide variant.
Coding change: c.3656C>T on transcript NM_030962.4 (MANE Select); coding-DNA position 3656, C replaced by T.
Protein change: p.Pro1219Leu; replaces proline 1219 with leucine.
Molecular consequence: missense variant.
Genome position (GRCh38, 1-based): chr11:9,829,493, G>A on the plus strand (C>T on the coding strand, the complement: SBF2 is on the minus strand). VCF-style: chr11-9829493-G-A. GRCh37 (hg19) VCF-style: chr11-9851040-G-A.
Other names: c.3656C>T, p.Pro1219Leu (NM_001386339.1); c.3527C>T, p.Pro1176Leu (NM_001386342.1); short protein forms P1176L, P1219L.
Identifiers: ClinVar variation 1993814 (VCV001993814.4), dbSNP rs2494685648, ClinGen allele CA379645434.
Genomic context (GRCh38, chr11:9,829,493, plus strand): 5'-AGTAAGGCTTGCAAGTATTTCTCTTGTTCTATGCTACTGGAAGATTCTAAAGAGGAGGTA[G>A]GAGCTATAAAAGGAAAATATATTGAATAAAATAAACTGTCTCTGTGTTAACAAAACAAGT-3'
Protein context (NP_112224.1, residues 1209-1229): FKSQNSPQAA[Pro1219Leu]TSSLESSSSI

ClinVar aggregate classification (germline): Uncertain significance (1 of 4 stars; one submission).

Conditions:
Charcot-Marie-Tooth disease type 4. Also called: Charcot-Marie-Tooth disease, type IV; Charcot-Marie-Tooth, Type 4. Identifiers: Orphanet 64749, MedGen C4082197, MONDO:0018995.

Allele frequency attached by ClinVar (database versions not stated): gnomAD exomes below 0.00001.
gnomAD v4.1: 1 of 1,609,860 alleles (0.000062%); highest among the groups gnomAD compares: African/African-American, 0.0013%; no homozygotes.

Submission:

Labcorp Genetics (formerly Invitae), Labcorp
Classification: Uncertain significance for Charcot-Marie-Tooth disease type 4. Last evaluated: 2022-05-12. Review status: criteria provided, single submitter. Criteria: Invitae Variant Classification Sherloc (09022015). Collection method: clinical testing. Allele origin: germline.
Comment: Algorithms developed to predict the effect of sequence changes on RNA splicing suggest that this variant may create or strengthen a splice site. In summary, the available evidence is currently insufficient to determine the role of this variant in disease. Therefore, it has been classified as a Variant of Uncertain Significance. Algorithms developed to predict the effect of missense changes on protein structure and function are either unavailable or do not agree on the potential impact of this missense change (SIFT: "Deleterious"; PolyPhen-2: "Benign"; Align-GVGD: "Class C0"). This sequence change replaces proline, which is neutral and non-polar, with leucine, which is neutral and non-polar, at codon 1219 of the SBF2 protein (p.Pro1219Leu). This variant is not present in population databases (gnomAD no frequency). This variant has not been reported in the literature in individuals affected with SBF2-related conditions.